The following is an entry in ClinVar:

ClinVar aggregate classification (germline): Conflicting classifications of pathogenicity. Review status: criteria provided, conflicting classifications (1 of 4 stars). 10 submissions from 9 submitters: Uncertain significance (3); Likely benign (7). Last evaluated 2026-03-06.

Conditions:
Cardiovascular phenotype. Identifiers: MedGen CN230736.
Arrhythmogenic right ventricular dysplasia 12. Also called: ARRHYTHMOGENIC RIGHT VENTRICULAR DYSPLASIA, FAMILIAL, 12. Identifiers: MedGen C1969081, MONDO:0012684, OMIM 611528.
Naxos disease (NXD). Also called: KERATOSIS PALMOPLANTARIS WITH ARRHYTHMOGENIC CARDIOMYOPATHY; MAL DE NAXOS; PALMOPLANTAR KERATODERMA WITH ARRHYTHMOGENIC RIGHT VENTRICULAR CARDIOMYOPATHY AND WOOLLY HAIR; CARDIOMYOPATHY, ARRHYTHMOGENIC RIGHT VENTRICULAR, WITH SKIN, HAIR, AND NAIL ABNORMALITIES; WOOLLY HAIR, PALMOPLANTAR KERATODERMA, AND CARDIAC ABNORMALITIES. Identifiers: Orphanet 34217, MedGen C1832600, MONDO:0011017, OMIM 601214.
Cardiomyopathy (CMYO). Also called: Cardiomyopathies. Identifiers: Orphanet 167848, MedGen C0878544, MONDO:0004994, HP:0001638. Inheritance: Various modes of inheritance.

Allele frequency attached by ClinVar (database versions not stated): gnomAD exomes 0.00027; ExAC 0.00030; ESP Exome Variant Server 0.00031; gnomAD 0.00035 and 0.00036; 1000 Genomes Project 0.00080; TOPMed 0.00043; 1000 Genomes Project 30x 0.00078.
gnomAD v4.1: 463 of 1,614,196 alleles (0.029%); highest among the groups gnomAD compares: Middle Eastern, 0.049%; no homozygotes.

Submissions (10):

Women's Health and Genetics/Laboratory Corporation of America, LabCorp
Classification: Likely benign. Last evaluated: 2026-03-06. Review status: criteria provided, single submitter. Criteria: LabCorp Variant Classification Summary - May 2015. Collection method: clinical testing. Allele origin: germline.
Comment: Variant summary: JUP c.1366G>A (p.Val456Ile) results in a conservative amino acid change in the encoded protein sequence. Algorithms developed to predict the effect of missense changes on protein structure and function are either unavailable or do not agree on the potential impact of this missense change. The variant allele was found at a frequency of 0.00027 in 251292 control chromosomes, predominantly at a frequency of 0.00048 within the Non-Finnish European subpopulation in the gnomAD database. The observed variant frequency within Non-Finnish European control individuals in the gnomAD database exceeds the estimated maximal expected allele frequency for disease-causing variants in JUP. c.1366G>A has been observed in individual(s) affected with Cardiomyopathy, without evidence for causality. These report(s) do not provide unequivocal conclusions about association of the variant with Cardiomyopathy. To our knowledge, no experimental evidence demonstrating an impact on protein function has been reported. ClinVar contains an entry for this variant (Variation ID: 180375). Based on the evidence outlined above, the variant was classified as likely benign.

Labcorp Genetics (formerly Invitae), Labcorp
Classification: Uncertain significance for Arrhythmogenic right ventricular dysplasia 12; Naxos disease. Last evaluated: 2026-01-27. Review status: criteria provided, single submitter. Criteria: Invitae Variant Classification Sherloc (09022015). Collection method: clinical testing. Allele origin: germline.
Comment: This sequence change replaces valine, which is neutral and non-polar, with isoleucine, which is neutral and non-polar, at codon 456 of the JUP protein (p.Val456Ile). This variant is present in population databases (rs78437817, gnomAD 0.05%). This variant has not been reported in the literature in individuals affected with JUP-related conditions. ClinVar contains an entry for this variant (Variation ID: 180375). An algorithm developed to predict the effect of missense changes on protein structure and function outputs the following: PolyPhen-2: "Benign". The isoleucine amino acid residue is found in multiple mammalian species, which suggests that this missense change does not adversely affect protein function. In summary, the available evidence is currently insufficient to determine the role of this variant in disease. Therefore, it has been classified as a Variant of Uncertain Significance.

Molecular Diagnostic Laboratory for Inherited Cardiovascular Disease, Montreal Heart Institute
Classification: Likely benign. Last evaluated: 2025-04-09. Review status: criteria provided, single submitter. Criteria: ACMG Guidelines, 2015. Collection method: clinical testing. Allele origin: germline. Affected: no.
Comment: BS1;BP4

Blueprint Genetics
Classification: Likely benign. Last evaluated: 2024-11-13. Review status: criteria provided, single submitter. Criteria: ACMG Guidelines, 2015. Collection method: clinical testing. Allele origin: germline.

CHEO Genetics Diagnostic Laboratory, Children's Hospital of Eastern Ontario
Classification: Likely benign for Cardiomyopathy. Last evaluated: 2021-06-04. Review status: criteria provided, single submitter. Criteria: ACMG Guidelines, 2015. Collection method: clinical testing. Allele origin: germline. Study: Canadian Open Genetics Repository.

GeneDx
Classification: Likely benign. Last evaluated: 2019-04-08. Review status: criteria provided, single submitter. Criteria: GeneDx Variant Classification Process June 2021. Collection method: clinical testing. Allele origin: germline. Affected: yes.

Ambry Genetics
Classification: Likely benign for Cardiovascular phenotype. Last evaluated: 2019-01-02. Review status: criteria provided, single submitter. Criteria: Ambry Variant Classification Scheme 2023. Collection method: clinical testing. Allele origin: germline.

Illumina Laboratory Services, Illumina
Classification: Uncertain significance for Naxos disease. Last evaluated: 2018-01-13. Review status: criteria provided, single submitter. Criteria: ICSL Variant Classification Criteria 13 December 2019. Collection method: clinical testing. Allele origin: germline.

Illumina Laboratory Services, Illumina
Classification: Uncertain significance for Arrhythmogenic right ventricular dysplasia 12. Last evaluated: 2018-01-13. Review status: criteria provided, single submitter. Criteria: ICSL Variant Classification Criteria 13 December 2019. Collection method: clinical testing. Allele origin: germline.

Laboratory for Molecular Medicine, Mass General Brigham Personalized Medicine
Classification: Likely benign. Last evaluated: 2016-01-07. Review status: criteria provided, single submitter. Criteria: LMM Criteria. Collection method: clinical testing. Allele origin: germline. Observed: 1 variant allele.
Comment: p.Val456Ile in exon 8 of JUP: This variant is not expected to have clinical sign ificance due to a lack of conservation across species, including mammals. Of not e, 11 species, including the chimp, marmoset, dolphin and killer whale have an i soleucine (Ile) at this position despite high nearby amino acid conservation. In addition, computational prediction tools do not suggest a high likelihood of im pact to the protein. It has been identified in 33/66682 European chromosomes by the Exome Aggregation Consortium (ExAC; dbSNP rs 78437817).

NM_002230.4(JUP):c.1366G>A (p.Val456Ile)

Gene: JUP (junction plakoglobin; minus strand). Cytogenetic location: 17q21.2.
Variant type: single nucleotide variant.
Coding change: c.1366G>A on transcript NM_002230.4 (MANE Select); coding-DNA position 1366, G replaced by A.
Protein change: p.Val456Ile; replaces valine 456 with isoleucine.
Molecular consequence: missense variant.
Genome position (GRCh38, 1-based): chr17:41,763,114, C>T on the plus strand (G>A on the coding strand, the complement: JUP is on the minus strand). VCF-style: chr17-41763114-C-T. GRCh37 (hg19) VCF-style: chr17-39919366-C-T.
Other names: p.V456I:GTC>ATC; c.1366G>A, p.Val456Ile (NM_001352773.2, NM_001352774.2, NM_001352775.2 and 3 more transcripts); c.1366G>A (NM_002230.3); short protein forms V456I.
Identifiers: ClinVar variation 180375 (VCV000180375.28), dbSNP rs78437817, ClinGen allele CA308426.